The following is an entry in ClinVar:

ClinVar aggregate classification (germline): Uncertain significance (1 of 4 stars; one submission).

gnomAD v4.1: 1 of 1,614,098 alleles (0.000062%); highest among the groups gnomAD compares: South Asian, 0.0011%; no homozygotes.

Submission:

GeneDx
Classification: Uncertain significance. Last evaluated: 2025-05-05. Review status: criteria provided, single submitter. Criteria: GeneDx Variant Classification Process June 2021. Collection method: clinical testing. Allele origin: germline. Affected: yes.
Comment: Not observed at significant frequency in large population cohorts (gnomAD); In silico analysis suggests that this missense variant does not alter protein structure/function; Has not been previously published as pathogenic or benign to our knowledge

NM_030777.4(SLC2A10):c.35C>T (p.Ala12Val)

Gene: SLC2A10 (solute carrier family 2 member 10; plus strand). Cytogenetic location: 20q13.12.
Variant type: single nucleotide variant.
Coding change: c.35C>T on transcript NM_030777.4 (MANE Select); coding-DNA position 35, C replaced by T.
Protein change: p.Ala12Val; replaces alanine 12 with valine.
Molecular consequence: missense variant.
Genome position (GRCh38, 1-based): chr20:46,725,071, C>T. VCF-style: chr20-46725071-C-T. GRCh37 (hg19) VCF-style: chr20-45353710-C-T.
Other names: short protein forms A12V.
Identifiers: ClinVar variation 4528289 (VCV004528289.1).